The following is an entry in ClinVar:

ClinVar aggregate classification (germline): Uncertain significance. Review status: criteria provided, multiple submitters, no conflicts (2 of 4 stars). 2 submissions from 2 submitters: Uncertain significance (2). Last evaluated 2024-04-02.

Conditions:
Charcot-Marie-Tooth disease axonal type 2O. Also called: Charcot-Marie-Tooth disease, axonal, type 20; CHARCOT-MARIE-TOOTH NEUROPATHY, AXONAL, TYPE 2O; CHARCOT-MARIE-TOOTH DISEASE, AXONAL, AUTOSOMAL DOMINANT, TYPE 2O; Charcot-Marie-Tooth Neuropathy Type 2O. Identifiers: Orphanet 284232, MedGen C3280220, MONDO:0013644, OMIM 614228.

Allele frequency attached by ClinVar (database versions not stated): TOPMed below 0.00001.
gnomAD v4.1: 1 of 1,614,192 alleles (0.000062%); highest among the groups gnomAD compares: African/African-American, 0.0013%; no homozygotes.

Submissions (2):

Labcorp Genetics (formerly Invitae), Labcorp
Classification: Uncertain significance for Charcot-Marie-Tooth disease axonal type 2O. Last evaluated: 2024-04-02. Review status: criteria provided, single submitter. Criteria: Invitae Variant Classification Sherloc (09022015). Collection method: clinical testing. Allele origin: germline.
Comment: This sequence change replaces alanine, which is neutral and non-polar, with threonine, which is neutral and polar, at codon 545 of the DYNC1H1 protein (p.Ala545Thr). This variant is not present in population databases (gnomAD no frequency). This variant has not been reported in the literature in individuals affected with DYNC1H1-related conditions. ClinVar contains an entry for this variant (Variation ID: 1351860). Advanced modeling of protein sequence and biophysical properties (such as structural, functional, and spatial information, amino acid conservation, physicochemical variation, residue mobility, and thermodynamic stability) has been performed at Invitae for this missense variant, however the output from this modeling did not meet the statistical confidence thresholds required to predict the impact of this variant on DYNC1H1 protein function. In summary, the available evidence is currently insufficient to determine the role of this variant in disease. Therefore, it has been classified as a Variant of Uncertain Significance.

GeneDx
Classification: Uncertain significance. Last evaluated: 2024-03-25. Review status: criteria provided, single submitter. Criteria: GeneDx Variant Classification Process June 2021. Collection method: clinical testing. Allele origin: germline. Affected: yes.
Comment: Not observed at significant frequency in large population cohorts (gnomAD); In silico analysis supports that this missense variant does not alter protein structure/function; Has not been previously published as pathogenic or benign to our knowledge; This variant is associated with the following publications: (PMID: 25512093, 25609763, 26100331)

NM_001376.5(DYNC1H1):c.1633G>A (p.Ala545Thr)

Gene: DYNC1H1 (dynein cytoplasmic 1 heavy chain 1; plus strand). Cytogenetic location: 14q32.31.
Variant type: single nucleotide variant.
Coding change: c.1633G>A on transcript NM_001376.5 (MANE Select); coding-DNA position 1633, G replaced by A.
Protein change: p.Ala545Thr; replaces alanine 545 with threonine.
Molecular consequence: missense variant.
Genome position (GRCh38, 1-based): chr14:101,985,858, G>A. VCF-style: chr14-101985858-G-A. GRCh37 (hg19) VCF-style: chr14-102452195-G-A.
Other names: c.1633G>A (NM_001376.4); short protein forms A545T.
Identifiers: ClinVar variation 1351860 (VCV001351860.9), dbSNP rs2047930968, ClinGen allele CA391018799.